The following is an entry in ClinVar:

NM_020166.5(MCCC1):c.1527C>G (p.Cys509Trp)

Gene: MCCC1 (methylcrotonyl-CoA carboxylase subunit 1; minus strand). Cytogenetic location: 3q27.1.
Variant type: single nucleotide variant.
Coding change: c.1527C>G on transcript NM_020166.5 (MANE Select); coding-DNA position 1527, C replaced by G.
Protein change: p.Cys509Trp; replaces cysteine 509 with tryptophan.
Molecular consequence: missense variant. On other transcripts: non-coding transcript variant (1).
Genome position (GRCh38, 1-based): chr3:183,037,285, G>C on the plus strand (C>G on the coding strand, the complement: MCCC1 is on the minus strand). VCF-style: chr3-183037285-G-C. GRCh37 (hg19) VCF-style: chr3-182755073-G-C.
Other names: c.1176C>G, p.Cys392Trp (NM_001293273.2); c.1200C>G, p.Cys400Trp (NM_001363880.1); short protein forms C392W, C509W, C400W.
Identifiers: ClinVar variation 4992097 (VCV004992097.1).

ClinVar aggregate classification (germline): Uncertain significance (1 of 4 stars; one submission).

Conditions:
MCCC1-related disorder. Also called: MCCC1-related condition.

Submission:

PreventionGenetics, part of Exact Sciences
Classification: Uncertain significance for MCCC1-related condition. Last evaluated: 2026-06-12. Review status: criteria provided, single submitter. Criteria: ACMG Guidelines, 2015. Collection method: clinical testing. Allele origin: germline.
Comment: The MCCC1 c.1527C>G variant is predicted to result in the amino acid substitution p.Cys509Trp. To our knowledge, this variant has not been reported in the literature or in a large population database (gnomAD), indicating this variant is rare. At this time, the clinical significance of this variant is uncertain due to the absence of conclusive functional and genetic evidence.